The following is an entry in ClinVar:

NM_182961.4(SYNE1):c.26G>A (p.Arg9Gln)

Gene: SYNE1 (spectrin repeat containing nuclear envelope protein 1; minus strand). Cytogenetic location: 6q25.2.
Variant type: single nucleotide variant.
Coding change: c.26G>A on transcript NM_182961.4 (MANE Select); coding-DNA position 26, G replaced by A.
Protein change: p.Arg9Gln; replaces arginine 9 with glutamine.
Molecular consequence: missense variant.
Genome position (GRCh38, 1-based): chr6:152,628,306, C>T on the plus strand (G>A on the coding strand, the complement: SYNE1 is on the minus strand). VCF-style: chr6-152628306-C-T. GRCh37 (hg19) VCF-style: chr6-152949441-C-T.
Other names: c.26G>A, p.Arg9Gln (NM_033071.5); short protein forms R9Q.
Identifiers: ClinVar variation 1433193 (VCV001433193.7), dbSNP rs1196383268, ClinGen allele CA366215740.

ClinVar aggregate classification (germline): Uncertain significance. Review status: criteria provided, multiple submitters, no conflicts (2 of 4 stars). 2 submissions from 2 submitters: Uncertain significance (2). Last evaluated 2022-04-06.

Conditions:
Autosomal recessive ataxia, Beauce type. Also called: SYNE1-Related Autosomal Recessive Cerebellar Ataxia; SYNE1 Deficiency; Spinocerebellar ataxia, autosomal recessive 8; ATAXIA, RECESSIVE, OF BEAUCE. Identifiers: Orphanet 88644, MedGen C1853116, MONDO:0012549, OMIM 610743.
Emery-Dreifuss muscular dystrophy 4, autosomal dominant (EDMD4). Also called: EMERY-DREIFUSS MUSCULAR DYSTROPHY 4 WITH VARIABLE FEATURES. Identifiers: Orphanet 261, MedGen C2751807, MONDO:0013071, OMIM 612998.

Allele frequency attached by ClinVar (database versions not stated): gnomAD 0.00001; gnomAD exomes 0.00001; TOPMed 0.00001.
gnomAD v4.1: 7 of 1,614,024 alleles (0.00043%); highest among the groups gnomAD compares: Admixed American, 0.0017%; no homozygotes.

Submissions (2):

Labcorp Genetics (formerly Invitae), Labcorp
Classification: Uncertain significance for Emery-Dreifuss muscular dystrophy 4, autosomal dominant; Autosomal recessive ataxia, Beauce type. Last evaluated: 2022-04-06. Review status: criteria provided, single submitter. Criteria: Invitae Variant Classification Sherloc (09022015). Collection method: clinical testing. Allele origin: germline.
Comment: Algorithms developed to predict the effect of missense changes on protein structure and function are either unavailable or do not agree on the potential impact of this missense change (SIFT: "Deleterious"; PolyPhen-2: "Benign"; Align-GVGD: "Class C0"). In summary, the available evidence is currently insufficient to determine the role of this variant in disease. Therefore, it has been classified as a Variant of Uncertain Significance. This variant has not been reported in the literature in individuals affected with SYNE1-related conditions. This sequence change replaces arginine, which is basic and polar, with glutamine, which is neutral and polar, at codon 9 of the SYNE1 protein (p.Arg9Gln). This variant is present in population databases (no rsID available, gnomAD 0.004%).

Blueprint Genetics
Classification: Uncertain significance. Last evaluated: 2018-10-30. Review status: criteria provided, single submitter. Criteria: ACMG Guidelines, 2015. Collection method: clinical testing. Allele origin: germline.